The following is an entry in ClinVar:

NM_177433.3(MAGED2):c.1414G>A (p.Ala472Thr)

Gene: MAGED2 (MAGE family member D2; plus strand). Cytogenetic location: Xp11.21.
Variant type: single nucleotide variant.
Coding change: c.1414G>A on transcript NM_177433.3 (MANE Select); coding-DNA position 1414, G replaced by A.
Protein change: p.Ala472Thr; replaces alanine 472 with threonine.
Molecular consequence: missense variant.
Genome position (GRCh38, 1-based): chrX:54,815,275, G>A. VCF-style: chrX-54815275-G-A. GRCh37 (hg19) VCF-style: chrX-54841708-G-A.
Other names: c.1414G>A, p.Ala472Thr (NM_014599.6, NM_201222.3); short protein forms A472T.
Identifiers: ClinVar variation 4759711 (VCV004759711.1).

ClinVar aggregate classification (germline): Uncertain significance (1 of 4 stars; one submission).

gnomAD v4.1: 6 of 1,152,146 alleles (0.00052%); highest among the groups gnomAD compares: Middle Eastern, 0.025%; no homozygotes.

Submission:

Labcorp Genetics (formerly Invitae), Labcorp
Classification: Uncertain significance. Last evaluated: 2025-09-18. Review status: criteria provided, single submitter. Criteria: Invitae Variant Classification Sherloc (09022015). Collection method: clinical testing. Allele origin: germline.
Comment: This sequence change replaces alanine, which is neutral and non-polar, with threonine, which is neutral and polar, at codon 472 of the MAGED2 protein (p.Ala472Thr). This variant is present in population databases (rs764094559, gnomAD 0.002%), including at least one homozygous and/or hemizygous individual. This variant has not been reported in the literature in individuals affected with MAGED2-related conditions. An algorithm developed to predict the effect of missense changes on protein structure and function outputs the following: PolyPhen-2: "Benign". The threonine amino acid residue is found in multiple mammalian species, which suggests that this missense change does not adversely affect protein function. In summary, the available evidence is currently insufficient to determine the role of this variant in disease. Therefore, it has been classified as a Variant of Uncertain Significance.